The following is an entry in ClinVar:

NM_001286.5(CLCN6):c.329T>C (p.Phe110Ser)

Gene: CLCN6 (chloride voltage-gated channel 6; plus strand). Cytogenetic location: 1p36.22.
Variant type: single nucleotide variant.
Coding change: c.329T>C on transcript NM_001286.5 (MANE Select); coding-DNA position 329, T replaced by C.
Protein change: p.Phe110Ser; replaces phenylalanine 110 with serine.
Molecular consequence: missense variant. On other transcripts: non-coding transcript variant (1).
Genome position (GRCh38, 1-based): chr1:11,819,537, T>C. VCF-style: chr1-11819537-T-C. GRCh37 (hg19) VCF-style: chr1-11879594-T-C.
Other names: c.263T>C, p.Phe88Ser (NM_001256959.2); short protein forms F110S, F88S.
Identifiers: ClinVar variation 1386650 (VCV001386650.6), dbSNP rs765745770, ClinGen allele CA596001.
Genomic context (GRCh38, chr1:11,819,537, plus strand): 5'-GCTCTTCACAGGTGGGTCTCTTTGTGGACTTTTTTGTGCGACTCTTCACCCAACTCAAGT[T>C]CGGAGTGGTACAGACATGTATCCTTTTCACGGTTCCTGGTGTTCGTGGACTTCAGTGGTC-3'
Protein context (NP_001277.2, residues 100-120): FFVRLFTQLK[Phe110Ser]GVVQTSVEEC

ClinVar aggregate classification (germline): Uncertain significance (1 of 4 stars; one submission).

Allele frequency attached by ClinVar (database versions not stated): ExAC 0.00001.

Submission:

Labcorp Genetics (formerly Invitae), Labcorp
Classification: Uncertain significance. Last evaluated: 2021-10-13. Review status: criteria provided, single submitter. Criteria: Invitae Variant Classification Sherloc (09022015). Collection method: clinical testing. Allele origin: germline.
Comment: In summary, the available evidence is currently insufficient to determine the role of this variant in disease. Therefore, it has been classified as a Variant of Uncertain Significance. Algorithms developed to predict the effect of missense changes on protein structure and function are either unavailable or do not agree on the potential impact of this missense change (SIFT: "Deleterious"; PolyPhen-2: "Benign"; Align-GVGD: "Class C55"). This variant has not been reported in the literature in individuals affected with CLCN6-related conditions. This variant is present in population databases (rs765745770, ExAC 0.001%). This sequence change replaces phenylalanine with serine at codon 110 of the CLCN6 protein (p.Phe110Ser). The phenylalanine residue is highly conserved and there is a large physicochemical difference between phenylalanine and serine.